The following is an entry in ClinVar:

NM_000059.4(BRCA2):c.6805A>C (p.Ile2269Leu)

Gene: BRCA2 (BRCA2 DNA repair associated; plus strand). Cytogenetic location: 13q13.1.
Variant type: single nucleotide variant.
Coding change: c.6805A>C on transcript NM_000059.4 (MANE Select); coding-DNA position 6805, A replaced by C.
Protein change: p.Ile2269Leu; replaces isoleucine 2269 with leucine.
Molecular consequence: missense variant.
Genome position (GRCh38, 1-based): chr13:32,341,160, A>C. VCF-style: chr13-32341160-A-C. GRCh37 (hg19) VCF-style: chr13-32915297-A-C.
Other names: short protein forms I2269L.
Identifiers: ClinVar variation 441352 (VCV000441352.10), dbSNP rs1300492434, ClinGen allele CA387791364.

ClinVar aggregate classification (germline): Conflicting classifications of pathogenicity. Review status: criteria provided, conflicting classifications (1 of 4 stars). 4 submissions from 4 submitters: Uncertain significance (2); Likely benign (1). 1 of the submissions does not count toward it. Last evaluated 2024-08-21.

Conditions:
BRCA2-related disorder. Also called: BRCA2-related condition; BRCA2-related disorders. Identifiers: MedGen CN239275.
Hereditary cancer-predisposing syndrome. Also called: Hereditary Cancer Syndrome; Hereditary neoplastic syndrome; Neoplastic Syndromes, Hereditary; Tumor predisposition. Identifiers: Orphanet 140162, MedGen C0027672, MeSH D009386, MONDO:0015356.

Allele frequency attached by ClinVar (database versions not stated): TOPMed 0.00001.

Submissions (4):

Ambry Genetics
Classification: Uncertain significance for Hereditary cancer-predisposing syndrome. Last evaluated: 2024-08-21. Review status: criteria provided, single submitter. Criteria: Ambry Variant Classification Scheme 2023. Collection method: clinical testing. Allele origin: germline.
Comment: The p.I2269L variant (also known as c.6805A>C), located in coding exon 10 of the BRCA2 gene, results from an A to C substitution at nucleotide position 6805. The isoleucine at codon 2269 is replaced by leucine, an amino acid with highly similar properties. This variant was not reported in population based cohorts in the following databases: Database of Single Nucleotide Polymorphisms (dbSNP), NHLBI Exome Sequencing Project (ESP), and 1000 Genomes Project. In the ESP, this variant was not observed in 6503 samples (13006 alleles) with coverage at this position. To date, this alteration has been detected with an allele frequency of approximately 0.0003% (greater than 300000 alleles tested) in our clinical cohort. This amino acid position is poorly conserved in available vertebrate species. In addition, this alteration is predicted to be tolerated by in silico analysis. Since supporting evidence is limited at this time, the clinical significance of this alteration remains unclear.

University of Washington Department of Laboratory Medicine, University of Washington
Classification: Likely benign for Hereditary cancer-predisposing syndrome. Last evaluated: 2023-03-23. Review status: criteria provided, single submitter. Criteria: Dines et al. (Genet Med. 2020). Collection method: curation. Allele origin: germline.
Comment: Missense variant in a coldspot region where missense variants are very unlikely to be pathogenic (PMID:31911673).

BRCA2 exon 11 coldspot. Reclassification based on statistical prior probability.

Women's Health and Genetics/Laboratory Corporation of America, LabCorp
Classification: Uncertain significance. Last evaluated: 2018-10-15. Review status: criteria provided, single submitter. Criteria: LabCorp Variant Classification Summary - May 2015. Collection method: clinical testing. Allele origin: germline.
Comment: Variant summary: BRCA2 c.6805A>C (p.Ile2269Leu) results in a conservative amino acid change in the encoded protein sequence. Four of four in-silico tools predict a benign effect of the variant on protein function. The variant was absent in 120652 control chromosomes (gnomAD). The available data on variant occurrences in the general population are insufficient to allow any conclusion about variant significance. To our knowledge, no occurrence of c.6805A>C in individuals affected with Hereditary Breast and Ovarian Cancer and no experimental evidence demonstrating its impact on protein function have been reported. One clinical diagnostic laboratory has submitted clinical-significance assessments for this variant to ClinVar after 2014 without evidence for independent evaluation and classified the variant as uncertain significance. Based on the evidence outlined above, the variant was classified as uncertain significance.

PreventionGenetics, part of Exact Sciences
Classification: Uncertain significance for BRCA2-related condition. Last evaluated: 2024-03-20. Review status: no assertion criteria provided. Collection method: clinical testing. Allele origin: germline. Not counted in ClinVar's aggregate classification.
Comment: The BRCA2 c.6805A>C variant is predicted to result in the amino acid substitution p.Ile2269Leu. This variant occurs within a region of the BRCA2 gene that is predicted to be tolerant to missense variation (Table 2, Dines et al. 2020. PubMed ID: 31911673). To our knowledge, this variant has not been reported in the literature or in a large population database, indicating this variant is rare. This variant has conflicting interpretations in ClinVar ranging from uncertain to likely benign. Although we suspect that this variant may be benign, at this time, the clinical significance of this variant is uncertain due to the absence of conclusive functional and genetic evidence.